The following is an entry in ClinVar:

NM_198576.4(AGRN):c.3761C>T (p.Pro1254Leu)

Gene: AGRN (agrin; plus strand). Cytogenetic location: 1p36.33.
Variant type: single nucleotide variant.
Coding change: c.3761C>T on transcript NM_198576.4 (MANE Select); coding-DNA position 3761, C replaced by T.
Protein change: p.Pro1254Leu; replaces proline 1254 with leucine.
Molecular consequence: missense variant.
Genome position (GRCh38, 1-based): chr1:1,048,021, C>T. VCF-style: chr1-1048021-C-T. GRCh37 (hg19) VCF-style: chr1-983401-C-T.
Other names: c.3761C>T, p.Pro1254Leu (NM_001305275.2); c.3446C>T, p.Pro1149Leu (NM_001364727.2); short protein forms P1149L, P1254L.
Identifiers: ClinVar variation 1495733 (VCV001495733.6), dbSNP rs2100667321, ClinGen allele CA337852180.

ClinVar aggregate classification (germline): Uncertain significance (1 of 4 stars; one submission).

Conditions:
Congenital myasthenic syndrome 8. Also called: MYASTHENIC SYNDROME, CONGENITAL, DUE TO AGRIN DEFICIENCY; Myasthenic syndrome, congenital, 8, with pre- and postsynaptic defects. Identifiers: Orphanet 590, MedGen C3808739, MONDO:0014052, OMIM 615120.

Allele frequency attached by ClinVar (database versions not stated): gnomAD exomes below 0.00001.
gnomAD v4.1: 1 of 1,584,136 alleles (0.000063%); highest among the groups gnomAD compares: Non-Finnish European, 0.000086%; no homozygotes.

Submission:

Labcorp Genetics (formerly Invitae), Labcorp
Classification: Uncertain significance for Congenital myasthenic syndrome 8. Last evaluated: 2021-08-11. Review status: criteria provided, single submitter. Criteria: Invitae Variant Classification Sherloc (09022015). Collection method: clinical testing. Allele origin: germline.
Comment: This variant is not present in population databases (ExAC no frequency). This variant has not been reported in the literature in individuals affected with AGRN-related conditions. Algorithms developed to predict the effect of missense changes on protein structure and function are either unavailable or do not agree on the potential impact of this missense change (SIFT: "Deleterious"; PolyPhen-2: "Probably Damaging"; Align-GVGD: "Class C0"). In summary, the available evidence is currently insufficient to determine the role of this variant in disease. Therefore, it has been classified as a Variant of Uncertain Significance. This sequence change replaces proline with leucine at codon 1254 of the AGRN protein (p.Pro1254Leu). The proline residue is moderately conserved and there is a moderate physicochemical difference between proline and leucine.